The following is an entry in ClinVar:

ClinVar aggregate classification (germline): Pathogenic (1 of 4 stars; one submission).

Submission:

Labcorp Genetics (formerly Invitae), Labcorp
Classification: Pathogenic. Last evaluated: 2024-01-24. Review status: criteria provided, single submitter. Criteria: Invitae Variant Classification Sherloc (09022015). Collection method: clinical testing. Allele origin: germline.
Comment: This sequence change creates a premature translational stop signal (p.Lys40*) in the TBX20 gene. It is expected to result in an absent or disrupted protein product. Loss-of-function variants in TBX20 are known to be pathogenic (PMID: 15901664, 25625280, 26118961, 27510170). This variant is not present in population databases (gnomAD no frequency). This variant has not been reported in the literature in individuals affected with TBX20-related conditions. ClinVar contains an entry for this variant (Variation ID: 1468168). For these reasons, this variant has been classified as Pathogenic.

Literature cited by the submitters: PubMed 15901664; PubMed 25625280; PubMed 26118961; PubMed 27510170.

NM_001077653.2(TBX20):c.118A>T (p.Lys40Ter)

Gene: TBX20 (T-box transcription factor 20; minus strand). Cytogenetic location: 7p14.2.
Variant type: single nucleotide variant.
Coding change: c.118A>T on transcript NM_001077653.2 (MANE Select); coding-DNA position 118, A replaced by T.
Protein change: p.Lys40Ter; replaces lysine 40 with a stop codon.
Molecular consequence: nonsense.
Genome position (GRCh38, 1-based): chr7:35,253,503, T>A on the plus strand (A>T on the coding strand, the complement: TBX20 is on the minus strand). VCF-style: chr7-35253503-T-A. GRCh37 (hg19) VCF-style: chr7-35293114-T-A.
Other names: c.118A>T, p.Lys40Ter (NM_001166220.1); short protein forms K40*.
Identifiers: ClinVar variation 1468168 (VCV001468168.6), dbSNP rs2128716604, ClinGen allele CA367265465.